The following is an entry in ClinVar:

NM_018089.3(ANKZF1):c.1699C>T (p.Arg567Trp)

Gene: ANKZF1 (ankyrin repeat and zinc finger peptidyl tRNA hydrolase 1; plus strand). Cytogenetic location: 2q35.
Variant type: single nucleotide variant.
Coding change: c.1699C>T on transcript NM_018089.3 (MANE Select); coding-DNA position 1699, C replaced by T.
Protein change: p.Arg567Trp; replaces arginine 567 with tryptophan.
Molecular consequence: missense variant.
Genome position (GRCh38, 1-based): chr2:219,235,481, C>T. VCF-style: chr2-219235481-C-T. GRCh37 (hg19) VCF-style: chr2-220100203-C-T.
Other names: c.1699C>T, p.Arg567Trp (NM_001042410.2); c.1069C>T, p.Arg357Trp (NM_001282792.2); c.1699C>T (NM_018089.2); short protein forms R567W, R357W.
Identifiers: ClinVar variation 1503742 (VCV001503742.9), dbSNP rs369058806, ClinGen allele CA2121138.
Genomic context (GRCh38, chr2:219,235,481, plus strand): 5'-GTTGGGAAAGGCAGGAGGCAAGTTAAACCCATTTTTGGAGTTTTTGCACCTAGGGACTCT[C>T]GGGCCCGGCCACCTTATACTGTTGCGGCTGACAAATCAACACGTAATGAGTTCCGAAGGT-3'
Protein context (NP_060559.2, residues 557-577): AGADPTVQDS[Arg567Trp]ARPPYTVAAD

ClinVar aggregate classification (germline): Uncertain significance. Review status: criteria provided, multiple submitters, no conflicts (2 of 4 stars). 3 submissions from 3 submitters: Uncertain significance (3). Last evaluated 2025-10-05.

Allele frequency attached by ClinVar (database versions not stated): ESP Exome Variant Server 0.00008.
gnomAD v4.1: 39 of 1,613,882 alleles (0.0024%); highest among the groups gnomAD compares: Middle Eastern, 0.017%; no homozygotes.

Submissions (3):

Labcorp Genetics (formerly Invitae), Labcorp
Classification: Uncertain significance. Last evaluated: 2025-10-05. Review status: criteria provided, single submitter. Criteria: Invitae Variant Classification Sherloc (09022015). Collection method: clinical testing. Allele origin: germline.
Comment: This sequence change replaces arginine, which is basic and polar, with tryptophan, which is neutral and slightly polar, at codon 567 of the ANKZF1 protein (p.Arg567Trp). This variant is present in population databases (rs369058806, gnomAD 0.004%). This variant has not been reported in the literature in individuals affected with ANKZF1-related conditions. ClinVar contains an entry for this variant (Variation ID: 1503742). An algorithm developed to predict the effect of missense changes on protein structure and function (PolyPhen-2) suggests that this variant is likely to be disruptive. In summary, the available evidence is currently insufficient to determine the role of this variant in disease. Therefore, it has been classified as a Variant of Uncertain Significance.

Ambry Genetics
Classification: Uncertain significance. Last evaluated: 2024-12-11. Review status: criteria provided, single submitter. Criteria: Ambry Variant Classification Scheme 2023. Collection method: clinical testing. Allele origin: germline.

Breakthrough Genomics
Classification: Uncertain significance. Review status: criteria provided, single submitter. Criteria: ACMG Guidelines, 2015. Collection method: not provided. Allele origin: germline. Inheritance: Unknown mechanism. Affected: yes.